The following is an entry in ClinVar:

ClinVar aggregate classification (germline): Uncertain significance. Review status: criteria provided, single submitter (1 of 4 stars). 2 submissions from 2 submitters: Uncertain significance (1). 1 of the submissions does not count toward it. Last evaluated 2018-11-16.

Conditions:
Hereditary cancer-predisposing syndrome. Also called: Neoplastic Syndromes, Hereditary; Hereditary Cancer Syndrome; Hereditary neoplastic syndrome; Tumor predisposition. Identifiers: Orphanet 140162, MedGen C0027672, MeSH D009386, MONDO:0015356.
Ataxia-telangiectasia syndrome (AT). Also called: ATAXIA-TELANGIECTASIA, COMPLEMENTATION GROUP A; ATAXIA-TELANGIECTASIA, FRESNO VARIANT; Ataxia-telangiectasia, complementation group E; Ataxia telangiectasia (A-T); LOUIS-BAR SYNDROME; Cerebello-oculocutaneous telangiectasia. Identifiers: Orphanet 100, MedGen C0004135, MONDO:0008840, OMIM 208900.

Allele frequency attached by ClinVar (database versions not stated): gnomAD exomes 0.00001.
gnomAD v4.1: 3 of 1,613,562 alleles (0.00019%); highest among the groups gnomAD compares: Non-Finnish European, 0.00025%; no homozygotes.

Submissions (2):

Ambry Genetics
Classification: Uncertain significance for Hereditary cancer-predisposing syndrome. Last evaluated: 2018-11-16. Review status: criteria provided, single submitter. Criteria: Ambry Variant Classification Scheme 2023. Collection method: clinical testing. Allele origin: germline.
Comment: The p.S1152Y variant (also known as c.3455C>A), located in coding exon 23 of the ATM gene, results from a C to A substitution at nucleotide position 3455. The serine at codon 1152 is replaced by tyrosine, an amino acid with dissimilar properties. This amino acid position is poorly conserved in available vertebrate species. In addition, the in silico prediction for this alteration is inconclusive. Since supporting evidence is limited at this time, the clinical significance of this alteration remains unclear.

Natera, Inc.
Classification: Uncertain significance for Ataxia-telangiectasia. Last evaluated: 2021-03-24. Review status: no assertion criteria provided. Collection method: clinical testing. Allele origin: germline. Not counted in ClinVar's aggregate classification.

NM_000051.4(ATM):c.3455C>A (p.Ser1152Tyr)

Gene: ATM (ATM serine/threonine kinase; plus strand). Cytogenetic location: 11q22.3.
Variant type: single nucleotide variant.
Coding change: c.3455C>A on transcript NM_000051.4 (MANE Select); coding-DNA position 3455, C replaced by A.
Protein change: p.Ser1152Tyr; replaces serine 1152 with tyrosine.
Molecular consequence: missense variant.
Genome position (GRCh38, 1-based): chr11:108,281,047, C>A. VCF-style: chr11-108281047-C-A. GRCh37 (hg19) VCF-style: chr11-108151774-C-A.
Other names: c.3455C>A, p.Ser1152Tyr (NM_001351834.2); short protein forms S1152Y.
Identifiers: ClinVar variation 823790 (VCV000823790.5), dbSNP rs775045299, ClinGen allele CA382519360.